The following is an entry in ClinVar:

NM_004933.3(CDH15):c.255C>A (p.Pro85=)

Gene: CDH15 (cadherin 15; plus strand). Cytogenetic location: 16q24.3.
Variant type: single nucleotide variant.
Coding change: c.255C>A on transcript NM_004933.3 (MANE Select); coding-DNA position 255, C replaced by A.
Protein change: p.Pro85=; no amino-acid change (proline 85 retained).
Molecular consequence: synonymous variant.
Genome position (GRCh38, 1-based): chr16:89,180,253, C>A. VCF-style: chr16-89180253-C-A. GRCh37 (hg19) VCF-style: chr16-89246661-C-A.
Other names: c.255C>A (NM_004933.2).
Identifiers: ClinVar variation 3026436 (VCV003026436.23), dbSNP rs144216511, ClinGen allele CA8238753.
Genomic context (GRCh38, chr16:89,180,253, plus strand): 5'-CCCACAGATCAAGTCGGACAAGCAGCAGCTGGGCAGCGTCATCTACAGCATCCAGGGACC[C>A]GGCGTGGATGAGGAGCCCCGGGGCGTCTTCTCTATCGACAAGTTCACAGGGAAGGTCTTC-3'
Protein context (NP_004924.1, residues 75-95): LGSVIYSIQG[Pro85=]GVDEEPRGVF

ClinVar aggregate classification (germline): Likely benign. Review status: criteria provided, single submitter (1 of 4 stars). 2 submissions from 2 submitters: Likely benign (1). 1 of the submissions does not count toward it. Last evaluated 2024-02-01.

Conditions:
CDH15-related disorder. Also called: CDH15-related condition.

Allele frequency attached by ClinVar (database versions not stated): 1000 Genomes Project 30x 0.00016; ESP Exome Variant Server 0.00038.

Submissions (2):

CeGaT Center for Human Genetics Tuebingen
Classification: Likely benign. Last evaluated: 2024-02-01. Review status: criteria provided, single submitter. Criteria: CeGaT Center For Human Genetics Tuebingen Variant Classification Criteria Version 2. Collection method: clinical testing. Allele origin: germline. Affected: yes. Observed: 1 variant allele.
Comment: CDH15: BP4, BP7

PreventionGenetics, part of Exact Sciences
Classification: Likely benign for CDH15-related condition. Last evaluated: 2019-07-31. Review status: no assertion criteria provided. Collection method: clinical testing. Allele origin: germline. Not counted in ClinVar's aggregate classification.
Comment: This variant is classified as likely benign based on ACMG/AMP sequence variant interpretation guidelines (Richards et al. 2015 PMID: 25741868, with internal and published modifications).